The following is an entry in ClinVar:

NM_001010892.3(RSPH4A):c.1690del (p.Gln564fs)

Gene: RSPH4A (radial spoke head component 4A; plus strand). Cytogenetic location: 6q22.1.
Variant type: Deletion.
Coding change: c.1690del on transcript NM_001010892.3 (MANE Select); coding-DNA position 1690, one base deleted (C; older notation c.1690delC).
Protein change: p.Gln564fs; shifts the reading frame from glutamine 564.
Molecular consequence: frameshift variant. On other transcripts: intron variant (1).
Genome position (GRCh38, 1-based): chr6:116,629,594, C deleted. VCF-style (leftmost placement, unchanged base first): chr6-116629593-AC-A. GRCh37 (hg19) VCF-style: chr6-116950756-AC-A.
Other names: c.1663-841del (NM_001161664.2); short protein forms Q564fs.
Identifiers: ClinVar variation 977539 (VCV000977539.8), dbSNP rs1775758975, ClinGen allele CA1139659776.

ClinVar aggregate classification (germline): Pathogenic/Likely pathogenic. Review status: criteria provided, multiple submitters, no conflicts (2 of 4 stars). 2 submissions from 2 submitters: Pathogenic (1); Likely pathogenic (1). Last evaluated 2022-11-15.

Conditions:
Primary ciliary dyskinesia. Also called: Ciliary dyskinesia. Identifiers: Orphanet 244, MedGen C0008780, MONDO:0016575, HP:0012265.

Allele frequency attached by ClinVar (database versions not stated): gnomAD exomes below 0.00001.

Submissions (2):

Labcorp Genetics (formerly Invitae), Labcorp
Classification: Pathogenic for Primary ciliary dyskinesia. Last evaluated: 2022-11-15. Review status: criteria provided, single submitter. Criteria: Invitae Variant Classification Sherloc (09022015). Collection method: clinical testing. Allele origin: germline.
Comment: This variant is not present in population databases (gnomAD no frequency). For these reasons, this variant has been classified as Pathogenic. ClinVar contains an entry for this variant (Variation ID: 977539). This variant has not been reported in the literature in individuals affected with RSPH4A-related conditions. This sequence change creates a premature translational stop signal (p.Gln564Lysfs*20) in the RSPH4A gene. It is expected to result in an absent or disrupted protein product. Loss-of-function variants in RSPH4A are known to be pathogenic (PMID: 19200523).

UNC Molecular Genetics  Laboratory, University of North Carolina at Chapel Hill
Classification: Likely pathogenic for Primary ciliary dyskinesia. Last evaluated: 2019-09-26. Review status: criteria provided, single submitter. Criteria: ACMG Guidelines, 2015. Collection method: clinical testing. Allele origin: germline. Affected: yes. Observed: 1 compound heterozygote.

Literature cited by the submitters: PubMed 19200523 (cited by Labcorp Genetics (formerly Invitae), Labcorp).